The following is an entry in ClinVar:

NM_004360.5(CDH1):c.763C>G (p.Gln255Glu)

Gene: CDH1 (cadherin 1; plus strand). Cytogenetic location: 16q22.1.
Variant type: single nucleotide variant.
Coding change: c.763C>G on transcript NM_004360.5 (MANE Select); coding-DNA position 763, C replaced by G.
Protein change: p.Gln255Glu; replaces glutamine 255 with glutamic acid.
Molecular consequence: missense variant. On other transcripts: 5 prime UTR variant (2).
Genome position (GRCh38, 1-based): chr16:68,810,272, C>G. VCF-style: chr16-68810272-C-G. GRCh37 (hg19) VCF-style: chr16-68844175-C-G.
Other names: c.763C>G, p.Gln255Glu (NM_001317184.2); c.-853C>G (NM_001317185.2); c.-1057C>G (NM_001317186.2); short protein forms Q255E.
Identifiers: ClinVar variation 5033933 (VCV005033933.1).

ClinVar aggregate classification (germline): Uncertain significance (1 of 4 stars; one submission).

Conditions:
Hereditary cancer-predisposing syndrome. Also called: Neoplastic Syndromes, Hereditary; Tumor predisposition; Hereditary neoplastic syndrome; Hereditary Cancer Syndrome. Identifiers: Orphanet 140162, MedGen C0027672, MeSH D009386, MONDO:0015356.

Submission:

Ambry Genetics
Classification: Uncertain significance for Hereditary cancer-predisposing syndrome. Last evaluated: 2026-07-06. Review status: criteria provided, single submitter. Criteria: Ambry Variant Classification Scheme 2023. Collection method: clinical testing. Allele origin: germline.
Comment: The p.Q255E variant (also known as c.763C>G), located in coding exon 6 of the CDH1 gene, results from a C to G substitution at nucleotide position 763. The glutamine at codon 255 is replaced by glutamic acid, an amino acid with highly similar properties. This amino acid position is conserved. In addition, the in silico prediction for this alteration is inconclusive. Based on the available evidence, the clinical significance of this variant remains unclear.